The following is an entry in ClinVar:

NM_018896.5(CACNA1G):c.7130C>T (p.Pro2377Leu)

Gene: CACNA1G (calcium voltage-gated channel subunit alpha1 G; plus strand). Cytogenetic location: 17q21.33.
Variant type: single nucleotide variant.
Coding change: c.7130C>T on transcript NM_018896.5 (MANE Select); coding-DNA position 7130, C replaced by T.
Protein change: p.Pro2377Leu; replaces proline 2377 with leucine.
Molecular consequence: missense variant. On other transcripts: non-coding transcript variant (5).
Genome position (GRCh38, 1-based): chr17:50,626,747, C>T. VCF-style: chr17-50626747-C-T. GRCh37 (hg19) VCF-style: chr17-48704108-C-T.
Other names: c.6941C>T, p.Pro2314Leu (NM_001256324.2); c.6872C>T, p.Pro2291Leu (NM_001256325.2); c.6860C>T, p.Pro2287Leu (NM_001256326.2); c.6830C>T, p.Pro2277Leu (NM_001256327.2); c.6776C>T, p.Pro2259Leu (NM_001256328.2); c.6749C>T, p.Pro2250Leu (NM_001256329.2, NM_198387.3); c.6782C>T, p.Pro2261Leu (NM_198382.3); c.6917C>T, p.Pro2306Leu (NM_198383.3); and 19 more; short protein forms P2171L, P2194L, P2205L, P2227L, P2232L, P2239L, P2243L, P2246L.
Identifiers: ClinVar variation 3610150 (VCV003610150.3).
Genomic context (GRCh38, chr17:50,626,747, plus strand): 5'-CCCCAAAGAAAGATGTGCTGAGTCTCTCCGGTTTATCCTCTGACCCAGCAGACCTGGACC[C>T]CTGAGTCCTGCCCCACTTTCCCACTCACCTTTCTCCACTGGGTGCCAAGTCCTAGCTCCT-3'
Protein context (NP_061496.2, residues 2367-2377): GLSSDPADLD[Pro2377Leu]

ClinVar aggregate classification (germline): Conflicting classifications of pathogenicity. Review status: criteria provided, conflicting classifications (1 of 4 stars). 2 submissions from 2 submitters: Uncertain significance (1); Likely benign (1). Last evaluated 2024-09-04.

gnomAD v4.1: 1 of 1,613,106 alleles (0.000062%); highest among the groups gnomAD compares: Admixed American, 0.0017%; no homozygotes.

Submissions (2):

GeneDx
Classification: Uncertain significance. Last evaluated: 2024-09-04. Review status: criteria provided, single submitter. Criteria: GeneDx Variant Classification Process June 2021. Collection method: clinical testing. Allele origin: germline. Affected: yes.
Comment: Not observed at significant frequency in large population cohorts (gnomAD); In silico analysis supports that this missense variant has a deleterious effect on protein structure/function; Has not been previously published as pathogenic or benign to our knowledge

Labcorp Genetics (formerly Invitae), Labcorp
Classification: Likely benign. Last evaluated: 2024-06-14. Review status: criteria provided, single submitter. Criteria: Invitae Variant Classification Sherloc (09022015). Collection method: clinical testing. Allele origin: germline.